The following is an entry in ClinVar:

ClinVar aggregate classification (germline): Uncertain significance (1 of 4 stars; one submission).

Conditions:
Inborn genetic diseases. Identifiers: MedGen C0950123, MeSH D030342.

gnomAD v4.1: 1 of 1,611,944 alleles (0.000062%); highest among the groups gnomAD compares: South Asian, 0.0011%; no homozygotes.

Submission:

Ambry Genetics
Classification: Uncertain significance for Inborn genetic diseases. Last evaluated: 2025-03-02. Review status: criteria provided, single submitter. Criteria: Ambry Variant Classification Scheme 2023. Collection method: clinical testing. Allele origin: germline.
Comment: The p.Q988H variant (also known as c.2964G>T), located in coding exon 29 of the RTEL1 gene, results from a G to T substitution at nucleotide position 2964. The glutamine at codon 988 is replaced by histidine, an amino acid with highly similar properties. This amino acid position is conserved. In addition, this alteration is predicted to be tolerated by in silico analysis. Based on the available evidence, the clinical significance of this variant remains unclear.

NM_001283009.2(RTEL1):c.2964G>T (p.Gln988His)

Genes: RTEL1 (regulator of telomere elongation helicase 1; plus strand), RTEL1-TNFRSF6B (RTEL1-TNFRSF6B readthrough (NMD candidate); plus strand). Cytogenetic location: 20q13.33.
Variant type: single nucleotide variant.
Coding change: c.2964G>T on transcript NM_001283009.2 (MANE Select); coding-DNA position 2964, G replaced by T.
Protein change: p.Gln988His; replaces glutamine 988 with histidine.
Molecular consequence: missense variant. On other transcripts: non-coding transcript variant (1).
Genome position (GRCh38, 1-based): chr20:63,693,255, G>T. VCF-style: chr20-63693255-G-T. GRCh37 (hg19) VCF-style: chr20-62324608-G-T.
Other names: c.2295G>T, p.Gln765His (NM_001283010.1); c.2964G>T, p.Gln988His (NM_016434.4); c.3036G>T, p.Gln1012His (NM_032957.5); short protein forms Q988H, Q765H, Q1012H.
Identifiers: ClinVar variation 3791193 (VCV003791193.1).
Genomic context (GRCh38, chr20:63,693,255, plus strand): 5'-TATCCAGCTGACAGGACGAGGCTGTGGCTATCGGCCTGAGCACAGCATTCCCCGAAGGCA[G>T]CGGGCACAGCCGGTCCTGGACCCCACTGGTAAATGGGGCCCCAGGTGGGACCCTCAGACT-3'
Protein context (NP_001269938.1, residues 978-998): YRPEHSIPRR[Gln988His]RAQPVLDPTG